The following is an entry in ClinVar:

ClinVar aggregate classification (germline): Uncertain significance. Review status: criteria provided, multiple submitters, no conflicts (2 of 4 stars). 2 submissions from 2 submitters: Uncertain significance (2). Last evaluated 2024-06-09.

Conditions:
Malignant hyperthermia, susceptibility to, 1 (MHS1). Also called: Anesthesia related hyperthermia; Malignant hyperpyrexia; Fulminating hyperpyrexia; Pharmacogenic myopathy; RYR1-Related Malignant Hyperthermia Susceptibility; Malignant hyperthermia suceptibility 1. Identifiers: Orphanet 423, MedGen C2930980, MONDO:0007783, OMIM 145600.

Submissions (2):

All of Us Research Program, National Institutes of Health
Classification: Uncertain significance for Malignant hyperthermia, susceptibility to, 1. Last evaluated: 2024-06-09. Review status: criteria provided, single submitter. Criteria: ACMG Guidelines, 2015. Collection method: clinical testing. Allele origin: germline. Inheritance: Autosomal dominant inheritance. Observed: 1 variant allele, 1 heterozygote.
Comment: This variant causes an in-frame deletion of one amino acid, glutamic acid at codon 1894, in the RYR1 protein. To our knowledge, functional studies have not been reported for this variant. This variant has not been reported in individuals affected with RYR1-related disorders in the literature. This variant has been identified in 1/247658 chromosomes in the general population by the Genome Aggregation Database (gnomAD). The available evidence is insufficient to determine the role of this variant in disease conclusively. Therefore, this variant is classified as a Variant of Uncertain Significance.

This study involves interpretation of variants in research participants for the purpose of population health screening. Participant phenotype was not available at the time of variant classification. Additional details can be found in publication PMID: 35346344, PMCID: PMC8962531

Color Diagnostics, LLC DBA Color Health
Classification: Uncertain significance for Malignant hyperthermia, susceptibility to, 1. Last evaluated: 2024-05-30. Review status: criteria provided, single submitter. Criteria: ACMG Guidelines, 2015. Collection method: clinical testing. Allele origin: germline.
Comment: This variant causes an in-frame deletion of one amino acid, glutamic acid at codon 1894, in the RYR1 protein. To our knowledge, functional studies have not been reported for this variant. This variant has not been reported in individuals affected with RYR1-related disorders in the literature. This variant has been identified in 1/247658 chromosomes in the general population by the Genome Aggregation Database (gnomAD). The available evidence is insufficient to determine the role of this variant in disease conclusively. Therefore, this variant is classified as a Variant of Uncertain Significance.

NM_000540.3(RYR1):c.5676GGA[2] (p.Glu1894del)

Gene: RYR1 (ryanodine receptor 1; plus strand). Cytogenetic location: 19q13.2.
Variant type: Microsatellite.
Coding change: c.5676GGA[2] on transcript NM_000540.3 (MANE Select); two copies in a row of the 3-base unit GGA starting at c.5676; the reference has three copies in a row; one copy, 3 bases deleted; also written c.5682_5684del.
Protein change: p.Glu1894del; deletes glutamic acid 1894.
Genome position (GRCh38, 1-based): chr19:38,489,311-38,489,313, GGA deleted; deleting any 3 consecutive bases within chr19:38,489,304-38,489,313 gives the same sequence; the position shown is the placement nearest the transcript's 3' end. VCF-style (leftmost placement, unchanged base first): chr19-38489303-AAGG-A. GRCh37 (hg19) VCF-style: chr19-38979943-AAGG-A.
Other names: c.5682_5684del (NM_000540.3); c.5676GGA[2], p.Glu1894del (NM_001042723.2); short protein forms E1894del.
Identifiers: ClinVar variation 3387752 (VCV003387752.2).
Genomic context (GRCh38, chr19:38,489,303, plus strand): 5'-ACTGAGGAAGAAGAGGAGGAGGACGAGGAGGAAGAGGGTGAAGAGGAAGATGAGGAGGAG[AAGG>A]AGGAGGATGAGGAGGAAACAGCACAGGAAAAGGAAGATGAGGAAAAAGAGGAAGAGGAGG-3'